The following is an entry in ClinVar:

NM_002334.4(LRP4):c.539A>G (p.Glu180Gly)

Gene: LRP4 (LDL receptor related protein 4; minus strand). Cytogenetic location: 11p11.2.
Variant type: single nucleotide variant.
Coding change: c.539A>G on transcript NM_002334.4 (MANE Select); coding-DNA position 539, A replaced by G.
Protein change: p.Glu180Gly; replaces glutamic acid 180 with glycine.
Molecular consequence: missense variant.
Genome position (GRCh38, 1-based): chr11:46,899,395, T>C on the plus strand (A>G on the coding strand, the complement: LRP4 is on the minus strand). VCF-style: chr11-46899395-T-C. GRCh37 (hg19) VCF-style: chr11-46920946-T-C.
Other names: short protein forms E180G.
Identifiers: ClinVar variation 535802 (VCV000535802.13), dbSNP rs201957426, ClinGen allele CA5970472.
Genomic context (GRCh38, chr11:46,899,395, plus strand): 5'-AGAACTGTCTGCCCTCATCCAACCCAACAGCCTGAGGTCTGGGGCCACTCACGACAGTTC[T>C]CCTCATCGGAGCCATCTTTGCAGTCGGTGTCACCGTCGCAGTACCAATGCTCAGCAATGC-3'
Protein context (NP_002325.2, residues 170-190): DTDCKDGSDE[Glu180Gly]NCPSAVPAPP

ClinVar aggregate classification (germline): Conflicting classifications of pathogenicity. Review status: criteria provided, conflicting classifications (1 of 4 stars). 6 submissions from 6 submitters: Uncertain significance (4); Likely benign (1). 1 of the submissions does not count toward it. Last evaluated 2023-12-16.

Conditions:
Inborn genetic diseases. Identifiers: MedGen C0950123, MeSH D030342.
Congenital myasthenic syndrome 17. Identifiers: Orphanet 590, MedGen C4225377, MONDO:0014578, OMIM 616304.
Cenani-Lenz syndactyly syndrome. Also called: SYNDACTYLY, TYPE VII; CENANI SYNDACTYLISM. Identifiers: Orphanet 3258, MedGen C1859309, MONDO:0008931, OMIM 212780.
Sclerosteosis 2 (SOST2). Identifiers: Orphanet 3152, MedGen C3280402, MONDO:0013679, OMIM 614305.
Intellectual disability. Also called: Intellectual functioning disability; intellectual disabilities; Intellectual developmental disorder. Identifiers: MedGen C3714756, MeSH D008607, MONDO:0001071, HP:0001249.

Allele frequency attached by ClinVar (database versions not stated): gnomAD 0.00019; ESP Exome Variant Server 0.00031; 1000 Genomes Project 30x 0.00062; gnomAD exomes 0.00026 and 0.00013; 1000 Genomes Project 0.00040; ExAC 0.00012; TOPMed 0.00016.
gnomAD v4.1: 404 of 1,613,470 alleles (0.025%); highest among the groups gnomAD compares: Non-Finnish European, 0.032%; no homozygotes.

Submissions (6):

Ambry Genetics
Classification: Uncertain significance for Inborn genetic diseases. Last evaluated: 2023-12-16. Review status: criteria provided, single submitter. Criteria: Ambry Variant Classification Scheme 2023. Collection method: clinical testing. Allele origin: germline.

Labcorp Genetics (formerly Invitae), Labcorp
Classification: Uncertain significance for Cenani-Lenz syndactyly syndrome; Sclerosteosis 2; Congenital myasthenic syndrome 17. Last evaluated: 2022-10-13. Review status: criteria provided, single submitter. Criteria: Invitae Variant Classification Sherloc (09022015). Collection method: clinical testing. Allele origin: germline.
Comment: This sequence change replaces glutamic acid, which is acidic and polar, with glycine, which is neutral and non-polar, at codon 180 of the LRP4 protein (p.Glu180Gly). This variant is present in population databases (rs201957426, gnomAD 0.02%). This variant has not been reported in the literature in individuals affected with LRP4-related conditions. ClinVar contains an entry for this variant (Variation ID: 535802). Algorithms developed to predict the effect of missense changes on protein structure and function are either unavailable or do not agree on the potential impact of this missense change (SIFT: "Deleterious"; PolyPhen-2: "Benign"; Align-GVGD: "Class C0"). In summary, the available evidence is currently insufficient to determine the role of this variant in disease. Therefore, it has been classified as a Variant of Uncertain Significance.

Fulgent Genetics
Classification: Uncertain significance for Cenani-Lenz syndactyly syndrome; Sclerosteosis 2; Congenital myasthenic syndrome 17. Last evaluated: 2022-04-12. Review status: criteria provided, single submitter. Criteria: ACMG Guidelines, 2015. Collection method: clinical testing. Allele origin: unknown.

Cambridge Genomics Laboratory, East Genomic Laboratory Hub, NHS Genomic Medicine Service
Classification: Likely benign for Intellectual disability. Last evaluated: 2020-07-13. Review status: criteria provided, single submitter. Criteria: ACGS Best Practice Guidelines for Variant Classification in Rare Disease 2020. Collection method: clinical testing. Allele origin: germline. Affected: yes. Observed: 1 variant allele.

Illumina Laboratory Services, Illumina
Classification: Uncertain significance for Cenani-Lenz syndactyly syndrome. Last evaluated: 2018-01-12. Review status: criteria provided, single submitter. Criteria: ICSL Variant Classification Criteria 13 December 2019. Collection method: clinical testing. Allele origin: germline.

Department of Pathology and Laboratory Medicine, Sinai Health System
Classification: Uncertain significance. Review status: no assertion criteria provided. Collection method: clinical testing. Allele origin: unknown. Affected: yes. Study: The Canadian Open Genetics Repository (COGR). Not counted in ClinVar's aggregate classification.